The following is an entry in ClinVar:

ClinVar aggregate classification (germline): Pathogenic. Review status: criteria provided, multiple submitters, no conflicts (2 of 4 stars). 2 submissions from 2 submitters: Pathogenic (2). Last evaluated 2024-04-05.

Conditions:
Coffin-Siris syndrome 1 (CSS1). Also called: Mental retardation, autosomal dominant 12; ARID1B-Related Coffin-Siris Syndrome. Identifiers: Orphanet 1465, MedGen C3281201, MONDO:0007617, OMIM 135900. Disease mechanism: gain of function.

Submissions (2):

Labcorp Genetics (formerly Invitae), Labcorp
Classification: Pathogenic. Last evaluated: 2024-04-05. Review status: criteria provided, single submitter. Criteria: Invitae Variant Classification Sherloc (09022015). Collection method: clinical testing. Allele origin: germline.
Comment: This sequence change creates a premature translational stop signal (p.Val2005Glyfs*7) in the ARID1B gene. While this is not anticipated to result in nonsense mediated decay, it is expected to disrupt the last 245 amino acid(s) of the ARID1B protein. This variant is not present in population databases (gnomAD no frequency). This variant has not been reported in the literature in individuals affected with ARID1B-related conditions. ClinVar contains an entry for this variant (Variation ID: 1323410). This variant disrupts a region of the ARID1B protein in which other variant(s) ( p.Arg2128*) have been determined to be pathogenic (PMID: 33619735). This suggests that this is a clinically significant region of the protein, and that variants that disrupt it are likely to be disease-causing. For these reasons, this variant has been classified as Pathogenic.

Revvity Omics, Revvity
Classification: Pathogenic for Coffin-Siris syndrome 1. Last evaluated: 2019-06-12. Review status: criteria provided, single submitter. Criteria: ACMG Guidelines, 2015. Collection method: clinical testing. Allele origin: germline.

Literature cited by the submitters: PubMed 33619735 (cited by Labcorp Genetics (formerly Invitae), Labcorp).

NM_001374828.1(ARID1B):c.6377dup (p.Val2128fs)

Gene: ARID1B (AT-rich interaction domain 1B; plus strand). Cytogenetic location: 6q25.3.
Variant type: Duplication.
Coding change: c.6377dup on transcript NM_001374828.1 (MANE Select); coding-DNA position 6377, one base duplicated (A; older notation c.6377dupA).
Protein change: p.Val2128fs; shifts the reading frame from valine 2128.
Molecular consequence: frameshift variant.
Genome position (GRCh38, 1-based): chr6:157,207,149, A duplicated; the last of 2 consecutive A bases (chr6:157,207,148-157,207,149); duplicating either gives the same sequence. VCF-style (leftmost placement, unchanged base first): chr6-157207147-C-CA. GRCh37 (hg19) VCF-style: chr6-157528281-C-CA.
Other names: c.6008dup (NM_020732.3); c.3878dup, p.Val1295fs (NM_001363725.2); c.6257dup, p.Val2088fs (NM_001371656.1, NM_001374820.1); c.6218dup, p.Val2075fs (NM_017519.3); short protein forms V1295fs, V2075fs, V2088fs, V2128fs.
Identifiers: ClinVar variation 1323410 (VCV001323410.5), dbSNP rs2128396622, ClinGen allele CA2573052632.